The following is an entry in ClinVar:

ClinVar aggregate classification (germline): Uncertain significance (1 of 4 stars; one submission).

Allele frequency attached by ClinVar (database versions not stated): TOPMed below 0.00001.

Submission:

GeneDx
Classification: Uncertain significance. Last evaluated: 2021-01-13. Review status: criteria provided, single submitter. Criteria: GeneDx Variant Classification Process June 2021. Collection method: clinical testing. Allele origin: germline. Affected: yes.
Comment: Not observed in large population cohorts (Lek et al., 2016); In silico analysis supports that this missense variant has a deleterious effect on protein structure/function; Has not been previously published as pathogenic or benign to our knowledge

NM_005559.4(LAMA1):c.7223A>G (p.Asn2408Ser)

Gene: LAMA1 (laminin subunit alpha 1; minus strand). Cytogenetic location: 18p11.31.
Variant type: single nucleotide variant.
Coding change: c.7223A>G on transcript NM_005559.4 (MANE Select); coding-DNA position 7223, A replaced by G.
Protein change: p.Asn2408Ser; replaces asparagine 2408 with serine.
Molecular consequence: missense variant.
Genome position (GRCh38, 1-based): chr18:6,964,776, T>C on the plus strand (A>G on the coding strand, the complement: LAMA1 is on the minus strand). VCF-style: chr18-6964776-T-C. GRCh37 (hg19) VCF-style: chr18-6964775-T-C.
Other names: short protein forms N2408S.
Identifiers: ClinVar variation 1304400 (VCV001304400.2), dbSNP rs2057624969, ClinGen allele CA401825376.